The following is an entry in ClinVar:

NM_000208.4(INSR):c.385A>G (p.Lys129Glu)

Gene: INSR (insulin receptor; minus strand). Cytogenetic location: 19p13.2.
Variant type: single nucleotide variant.
Coding change: c.385A>G on transcript NM_000208.4 (MANE Select); coding-DNA position 385, A replaced by G.
Protein change: p.Lys129Glu; replaces lysine 129 with glutamic acid.
Molecular consequence: missense variant.
Genome position (GRCh38, 1-based): chr19:7,267,612, T>C on the plus strand (A>G on the coding strand, the complement: INSR is on the minus strand). VCF-style: chr19-7267612-T-C. GRCh37 (hg19) VCF-style: chr19-7267623-T-C.
Other names: c.385A>G, p.Lys129Glu (NM_001079817.3); short protein forms K129E.
Identifiers: ClinVar variation 4709516 (VCV004709516.1).

ClinVar aggregate classification (germline): Uncertain significance (1 of 4 stars; one submission).

Submission:

Labcorp Genetics (formerly Invitae), Labcorp
Classification: Uncertain significance. Last evaluated: 2025-04-04. Review status: criteria provided, single submitter. Criteria: Invitae Variant Classification Sherloc (09022015). Collection method: clinical testing. Allele origin: germline.
Comment: This sequence change replaces lysine, which is basic and polar, with glutamic acid, which is acidic and polar, at codon 129 of the INSR protein (p.Lys129Glu). This variant is not present in population databases (gnomAD no frequency). This variant has not been reported in the literature in individuals affected with INSR-related conditions. Invitae Evidence Modeling of protein sequence and biophysical properties (such as structural, functional, and spatial information, amino acid conservation, physicochemical variation, residue mobility, and thermodynamic stability) indicates that this missense variant is not expected to disrupt INSR protein function with a negative predictive value of 95%. In summary, the available evidence is currently insufficient to determine the role of this variant in disease. Therefore, it has been classified as a Variant of Uncertain Significance.